The following is an entry in ClinVar:

ClinVar aggregate classification (germline): Uncertain significance (1 of 4 stars; one submission).

Allele frequency attached by ClinVar (database versions not stated): gnomAD exomes below 0.00001; TOPMed below 0.00001; ExAC 0.00001; gnomAD 0.00002.
gnomAD v4.1: 5 of 1,613,734 alleles (0.00031%); highest among the groups gnomAD compares: African/African-American, 0.0013%; no homozygotes.

Submission:

Labcorp Genetics (formerly Invitae), Labcorp
Classification: Uncertain significance. Last evaluated: 2023-07-08. Review status: criteria provided, single submitter. Criteria: Invitae Variant Classification Sherloc (09022015). Collection method: clinical testing. Allele origin: germline.
Comment: This sequence change replaces tyrosine, which is neutral and polar, with histidine, which is basic and polar, at codon 153 of the SLC25A21 protein (p.Tyr153His). In summary, the available evidence is currently insufficient to determine the role of this variant in disease. Therefore, it has been classified as a Variant of Uncertain Significance. Advanced modeling of protein sequence and biophysical properties (such as structural, functional, and spatial information, amino acid conservation, physicochemical variation, residue mobility, and thermodynamic stability) performed at Invitae indicates that this missense variant is not expected to disrupt SLC25A21 protein function. This variant has not been reported in the literature in individuals affected with SLC25A21-related conditions. This variant is present in population databases (rs757530434, gnomAD 0.002%).

NM_030631.4(SLC25A21):c.457T>C (p.Tyr153His)

Gene: SLC25A21 (solute carrier family 25 member 21; minus strand). Cytogenetic location: 14q13.3.
Variant type: single nucleotide variant.
Coding change: c.457T>C on transcript NM_030631.4 (MANE Select); coding-DNA position 457, T replaced by C.
Protein change: p.Tyr153His; replaces tyrosine 153 with histidine.
Molecular consequence: missense variant.
Genome position (GRCh38, 1-based): chr14:36,711,464, A>G on the plus strand (T>C on the coding strand, the complement: SLC25A21 is on the minus strand). VCF-style: chr14-36711464-A-G. GRCh37 (hg19) VCF-style: chr14-37180669-A-G.
Other names: c.457T>C, p.Tyr153His (NM_001171170.2); short protein forms Y153H.
Identifiers: ClinVar variation 2983739 (VCV002983739.3), dbSNP rs757530434, ClinGen allele CA7159278.